The following is an entry in ClinVar:

NM_005214.5(CTLA4):c.398T>C (p.Leu133Pro)

Gene: CTLA4 (cytotoxic T-lymphocyte associated protein 4; plus strand). Cytogenetic location: 2q33.2.
Variant type: single nucleotide variant.
Coding change: c.398T>C on transcript NM_005214.5 (MANE Select); coding-DNA position 398, T replaced by C.
Protein change: p.Leu133Pro; replaces leucine 133 with proline.
Molecular consequence: missense variant.
Genome position (GRCh38, 1-based): chr2:203,870,874, T>C. VCF-style: chr2-203870874-T-C. GRCh37 (hg19) VCF-style: chr2-204735597-T-C.
Other names: c.398T>C, p.Leu133Pro (NM_001037631.3); short protein forms L133P.
Identifiers: ClinVar variation 3906119 (VCV003906119.10).
Genomic context (GRCh38, chr2:203,870,874, plus strand): 5'-ACCTCACTATCCAAGGACTGAGGGCCATGGACACGGGACTCTACATCTGCAAGGTGGAGC[T>C]CATGTACCCACCGCCATACTACCTGGGCATAGGCAACGGAACCCAGATTTATGTAATTGG-3'
Protein context (NP_005205.2, residues 123-143): DTGLYICKVE[Leu133Pro]MYPPPYYLGI

ClinVar aggregate classification (germline): Uncertain significance (1 of 4 stars; one submission).

Submission:

CeGaT Center for Human Genetics Tuebingen
Classification: Uncertain significance. Last evaluated: 2025-06-01. Review status: criteria provided, single submitter. Criteria: CeGaT Center For Human Genetics Tuebingen Variant Classification Criteria Version 2. Collection method: clinical testing. Allele origin: germline. Affected: yes. Observed: 1 variant allele.
Comment: CTLA4: PM1, PM2, PS4:Moderate, BP4